The following is an entry in ClinVar:

ClinVar aggregate classification (germline): Uncertain significance (1 of 4 stars; one submission).

Conditions:
Hereditary cancer-predisposing syndrome. Also called: Neoplastic Syndromes, Hereditary; Tumor predisposition; Hereditary neoplastic syndrome; Hereditary Cancer Syndrome. Identifiers: Orphanet 140162, MedGen C0027672, MeSH D009386, MONDO:0015356.

Submission:

Ambry Genetics
Classification: Uncertain significance for Hereditary cancer-predisposing syndrome. Last evaluated: 2026-07-01. Review status: criteria provided, single submitter. Criteria: Ambry Variant Classification Scheme 2023. Collection method: clinical testing. Allele origin: germline.
Comment: The p.I170M variant (also known as c.510T>G), located in coding exon 6 of the CDC73 gene, results from a T to G substitution at nucleotide position 510. The isoleucine at codon 170 is replaced by methionine, an amino acid with highly similar properties. This amino acid position is conserved. In addition, the in silico prediction for this alteration is inconclusive. Based on the available evidence, the clinical significance of this variant remains unclear.

NM_024529.5(CDC73):c.510T>G (p.Ile170Met)

Gene: CDC73 (cell division cycle 73; plus strand). Cytogenetic location: 1q31.2.
Variant type: single nucleotide variant.
Coding change: c.510T>G on transcript NM_024529.5 (MANE Select); coding-DNA position 510, T replaced by G.
Protein change: p.Ile170Met; replaces isoleucine 170 with methionine.
Molecular consequence: missense variant.
Genome position (GRCh38, 1-based): chr1:193,138,171, T>G. VCF-style: chr1-193138171-T-G. GRCh37 (hg19) VCF-style: chr1-193107301-T-G.
Other names: short protein forms I170M.
Identifiers: ClinVar variation 5033828 (VCV005033828.1).